The following is an entry in ClinVar:

NM_012200.4(B3GAT3):c.1A>G (p.Met1Val)

Gene: B3GAT3 (beta-1,3-glucuronyltransferase 3; minus strand). Cytogenetic location: 11q12.3.
Variant type: single nucleotide variant.
Coding change: c.1A>G on transcript NM_012200.4 (MANE Select); coding-DNA position 1, A replaced by G.
Protein change: p.Met1Val; changes the start codon (methionine 1).
Molecular consequence: missense variant, initiator codon variant. On other transcripts: 5 prime UTR variant (1), non-coding transcript variant (1).
Genome position (GRCh38, 1-based): chr11:62,621,947, T>C on the plus strand (A>G on the coding strand, the complement: B3GAT3 is on the minus strand). VCF-style: chr11-62621947-T-C. GRCh37 (hg19) VCF-style: chr11-62389419-T-C.
Other names: c.-260A>G (NM_001288721.2); c.1A>G, p.Met1Val (NM_001288722.2, NM_001288723.2); short protein forms M1V.
Identifiers: ClinVar variation 2137125 (VCV002137125.5), dbSNP rs139759238, ClinGen allele CA380982217.

ClinVar aggregate classification (germline): Likely pathogenic (1 of 4 stars; one submission).

Conditions:
Larsen-like syndrome, B3GAT3 type. Also called: MULTIPLE JOINT DISLOCATIONS, SHORT STATURE, AND CRANIOFACIAL DYSMORPHISM WITH OR WITHOUT CONGENITAL HEART DEFECTS; Multiple joint dislocations, short stature, craniofacial dysmorphism, with or without congenital heart defects. Identifiers: Orphanet 284139, MedGen CN034159, MONDO:0009511, OMIM 245600.

Submission:

Labcorp Genetics (formerly Invitae), Labcorp
Classification: Likely pathogenic for Larsen-like syndrome, B3GAT3 type. Last evaluated: 2025-01-30. Review status: criteria provided, single submitter. Criteria: Invitae Variant Classification Sherloc (09022015). Collection method: clinical testing. Allele origin: germline.
Comment: This sequence change affects the initiator methionine of the B3GAT3 mRNA. The next in-frame methionine is located at codon 207. This variant is present in population databases (no rsID available, gnomAD 0.007%). Disruption of the initiator codon has been observed in individual(s) with B3GAT3-related conditions (PMID: 27871226). ClinVar contains an entry for this variant (Variation ID: 2137125). Algorithms developed to predict the effect of variants on gene product structure and function are not available or were not evaluated for this variant. Experimental studies have shown that disruption of the initiator codon affects B3GAT3 function (PMID: 27871226). This variant disrupts a region of the B3GAT3 protein in which other variant(s) (p.Arg161Trp) have been observed in individuals with B3GAT3-related conditions (PMID: 31438591). This suggests that this is a clinically significant region of the protein, and that variants that disrupt it are likely to be disease-causing. In summary, the currently available evidence indicates that the variant is pathogenic, but additional data are needed to prove that conclusively. Therefore, this variant has been classified as Likely Pathogenic.

Literature cited by the submitters: PubMed 27871226; PubMed 31438591.